The following is an entry in ClinVar:

ClinVar aggregate classification (germline): Uncertain significance (1 of 4 stars; one submission).

Conditions:
Proteasome-associated autoinflammatory syndrome 1 (PRAAS1). Also called: Nakajo syndrome; JOINT CONTRACTURES, MUSCULAR ATROPHY, MICROCYTIC ANEMIA, AND PANNICULITIS-INDUCED LIPODYSTROPHY; JMP SYNDROME; AUTOINFLAMMATION, LIPODYSTROPHY, AND DERMATOSIS SYNDROME; NAKAJO-NISHIMURA SYNDROME; CHRONIC ATYPICAL NEUTROPHILIC DERMATOSIS WITH LIPODYSTROPHY AND ELEVATED TEMPERATURE SYNDROME. Identifiers: Orphanet 2615, Orphanet 324977, Orphanet 324999, Orphanet 325004, MedGen C4746851, MONDO:0054698, OMIM 256040.

Allele frequency attached by ClinVar (database versions not stated): gnomAD 0.00002 and 0.00003; gnomAD exomes 0.00003 and 0.00006; ExAC 0.00008; TOPMed 0.00008.
gnomAD v4.1: 42 of 1,613,120 alleles (0.0026%); highest among the groups gnomAD compares: Middle Eastern, 0.016%; no homozygotes.

Submission:

Labcorp Genetics (formerly Invitae), Labcorp
Classification: Uncertain significance for Proteosome-associated autoinflammatory syndrome. Last evaluated: 2022-11-01. Review status: criteria provided, single submitter. Criteria: Invitae Variant Classification Sherloc (09022015). Collection method: clinical testing. Allele origin: germline.
Comment: This sequence change replaces arginine, which is basic and polar, with glutamine, which is neutral and polar, at codon 91 of the PSMB8 protein (p.Arg91Gln). This variant is present in population databases (rs780859553, gnomAD 0.01%). This variant has not been reported in the literature in individuals affected with PSMB8-related conditions. ClinVar contains an entry for this variant (Variation ID: 959397). Algorithms developed to predict the effect of missense changes on protein structure and function (SIFT, PolyPhen-2, Align-GVGD) all suggest that this variant is likely to be disruptive. In summary, the available evidence is currently insufficient to determine the role of this variant in disease. Therefore, it has been classified as a Variant of Uncertain Significance.

NM_148919.4(PSMB8):c.272G>A (p.Arg91Gln)

Gene: PSMB8 (proteasome 20S subunit beta 8; minus strand). Cytogenetic location: 6p21.32.
Variant type: single nucleotide variant.
Coding change: c.272G>A on transcript NM_148919.4 (MANE Select); coding-DNA position 272, G replaced by A.
Protein change: p.Arg91Gln; replaces arginine 91 with glutamine.
Molecular consequence: missense variant.
Genome position (GRCh38, 1-based): chr6:32,842,965, C>T on the plus strand (G>A on the coding strand, the complement: PSMB8 is on the minus strand). VCF-style: chr6-32842965-C-T. GRCh37 (hg19) VCF-style: chr6-32810742-C-T.
Other names: c.260G>A, p.Arg87Gln (NM_004159.5); short protein forms R87Q, R91Q.
Identifiers: ClinVar variation 959397 (VCV000959397.5), dbSNP rs780859553, ClinGen allele CA3746451.